The following is an entry in ClinVar:

ClinVar aggregate classification (germline): Benign. Review status: criteria provided, multiple submitters, no conflicts (2 of 4 stars). 2 submissions from 2 submitters: Benign (2). Last evaluated 2018-01-13.

Conditions:
Cataract 6 multiple types. Also called: CATARACT, AGE-RELATED CORTICAL, 2; CATARACT 6, POSTERIOR POLAR; CATARACT 6, CONGENITAL TOTAL. Identifiers: Orphanet 91492, MedGen C1861825, MONDO:0007288, OMIM 116600.

Allele frequency attached by ClinVar (database versions not stated): 1000 Genomes Project 30x 0.00187; gnomAD exomes 0.00465; gnomAD 0.00321 and 0.00347; 1000 Genomes Project 0.00160; TOPMed 0.00326.
gnomAD v4.1: 1,152 of 286,008 alleles (0.4%); highest among the groups gnomAD compares: Middle Eastern, 0.77%; 7 homozygotes.

Submissions (2):

Illumina Laboratory Services, Illumina
Classification: Benign for Cataract 6 multiple types. Last evaluated: 2018-01-13. Review status: criteria provided, single submitter. Criteria: ICSL Variant Classification Criteria 13 December 2019. Collection method: clinical testing. Allele origin: germline.
Comment: This variant was observed in the ICSL laboratory as part of a predisposition screen in an ostensibly healthy population. It had not been previously curated by ICSL or reported in the Human Gene Mutation Database (HGMD: prior to June 1st, 2018), and was therefore a candidate for classification through an automated scoring system. Utilizing variant allele frequency, disease prevalence and penetrance estimates, and inheritance mode, an automated score was calculated to assess if this variant is too frequent to cause the disease. Based on the score and internal cut-off values, a variant classified as benign is not then subjected to further curation. The score for this variant resulted in a classification of benign for this disease.

Breakthrough Genomics
Classification: Benign. Review status: criteria provided, single submitter. Criteria: ACMG Guidelines, 2015. Collection method: not provided. Allele origin: germline. Inheritance: Autosomal dominant inheritance. Affected: yes.

NM_004431.5(EPHA2):c.*355A>G

Gene: EPHA2 (EPH receptor A2; minus strand). Cytogenetic location: 1p36.13.
Variant type: single nucleotide variant.
Coding change: c.*355A>G on transcript NM_004431.5 (MANE Select); 355 bases downstream of the stop codon, A replaced by G.
Molecular consequence: 3 prime UTR variant.
Genome position (GRCh38, 1-based): chr1:16,124,860, T>C on the plus strand (A>G on the coding strand, the complement: EPHA2 is on the minus strand). VCF-style: chr1-16124860-T-C. GRCh37 (hg19) VCF-style: chr1-16451355-T-C.
Other names: c.*355A>G (NM_001329090.2).
Identifiers: ClinVar variation 293399 (VCV000293399.6), dbSNP rs140956748, ClinGen allele CA10608157.